The following is an entry in ClinVar:

NM_147686.4(TRAF3IP2):c.497C>T (p.Ala166Val)

Genes: TRAF3IP2 (TRAF3 interacting protein 2; minus strand), TRAF3IP2-AS1 (TRAF3IP2 antisense RNA 1; plus strand), LOC114803478 (TRAF3IP2 eExon liver enhancer; plus strand). Cytogenetic location: 6q21.
Variant type: single nucleotide variant.
Coding change: c.497C>T on transcript NM_147686.4 (MANE Select); coding-DNA position 497, C replaced by T.
Protein change: p.Ala166Val; replaces alanine 166 with valine.
Molecular consequence: missense variant.
Genome position (GRCh38, 1-based): chr6:111,591,590, G>A on the plus strand (C>T on the coding strand, the complement: TRAF3IP2 is on the minus strand). VCF-style: chr6-111591590-G-A. GRCh37 (hg19) VCF-style: chr6-111912793-G-A.
Other names: c.497C>T (NM_147686.2); c.497C>T, p.Ala166Val (NM_001164281.3); c.524C>T, p.Ala175Val (NM_147200.3); short protein forms A166V, A175V.
Identifiers: ClinVar variation 1043779 (VCV001043779.7), dbSNP rs371756748, ClinGen allele CA3963318.

ClinVar aggregate classification (germline): Uncertain significance. Review status: criteria provided, multiple submitters, no conflicts (2 of 4 stars). 2 submissions from 2 submitters: Uncertain significance (2). Last evaluated 2025-11-20.

Conditions:
Candidiasis, familial, 8 (CANDF8). Identifiers: Orphanet 1334, MedGen C3714992, MONDO:0014230, OMIM 615527.

Allele frequency attached by ClinVar (database versions not stated): ExAC 0.00002; TOPMed 0.00010; gnomAD 0.00011 and 0.00008; gnomAD exomes 0.00001 and 0.00002; ESP Exome Variant Server 0.00015.
gnomAD v4.1: 25 of 1,614,246 alleles (0.0015%); highest among the groups gnomAD compares: African/African-American, 0.032%; 1 homozygote.

Submissions (2):

Ambry Genetics
Classification: Uncertain significance. Last evaluated: 2025-11-20. Review status: criteria provided, single submitter. Criteria: Ambry Variant Classification Scheme 2023. Collection method: clinical testing. Allele origin: germline.

Labcorp Genetics (formerly Invitae), Labcorp
Classification: Uncertain significance for Candidiasis, familial, 8. Last evaluated: 2021-08-26. Review status: criteria provided, single submitter. Criteria: Invitae Variant Classification Sherloc (09022015). Collection method: clinical testing. Allele origin: germline.
Comment: This sequence change replaces alanine with valine at codon 166 of the TRAF3IP2 protein (p.Ala166Val). The alanine residue is moderately conserved and there is a small physicochemical difference between alanine and valine. This variant is present in population databases (rs371756748, ExAC 0.02%). This variant has not been reported in the literature in individuals affected with TRAF3IP2-related conditions. Algorithms developed to predict the effect of missense changes on protein structure and function output the following: SIFT: "Deleterious"; PolyPhen-2: "Benign"; Align-GVGD: "Class C0". The valine amino acid residue is found in multiple mammalian species, which suggests that this missense change does not adversely affect protein function. In summary, the available evidence is currently insufficient to determine the role of this variant in disease. Therefore, it has been classified as a Variant of Uncertain Significance.